The following is an entry in ClinVar:

ClinVar aggregate classification (germline): Uncertain significance (1 of 4 stars; one submission).

Conditions:
Muscle AMP deaminase deficiency (MMDD). Also called: Myoadenylate deaminase deficiency, myopathy due to; Adenosine monophosphate deaminase 1 deficiency; AMP deaminase 1 deficiency; Adenosine Monophosphate Deaminase 1; ADENOSINE MONOPHOSPHATE DEAMINASE-1 DEFICIENCY, MYOPATHY DUE TO; AMPD1 DEFICIENCY. Identifiers: Orphanet 45, MedGen C3714933, MONDO:0014220, OMIM 615511.

Allele frequency attached by ClinVar (database versions not stated): TOPMed below 0.00001; gnomAD 0.00001; gnomAD exomes 0.00001; ExAC 0.00002.
gnomAD v4.1: 5 of 1,613,430 alleles (0.00031%); highest among the groups gnomAD compares: Admixed American, 0.0083%; no homozygotes.

Submission:

Labcorp Genetics (formerly Invitae), Labcorp
Classification: Uncertain significance for Muscle AMP deaminase deficiency. Last evaluated: 2022-09-27. Review status: criteria provided, single submitter. Criteria: Invitae Variant Classification Sherloc (09022015). Collection method: clinical testing. Allele origin: germline.
Comment: In summary, the available evidence is currently insufficient to determine the role of this variant in disease. Therefore, it has been classified as a Variant of Uncertain Significance. Advanced modeling of protein sequence and biophysical properties (such as structural, functional, and spatial information, amino acid conservation, physicochemical variation, residue mobility, and thermodynamic stability) performed at Invitae indicates that this missense variant is not expected to disrupt AMPD1 protein function. This variant has not been reported in the literature in individuals affected with AMPD1-related conditions. This variant is present in population databases (rs775529261, gnomAD 0.009%). This sequence change replaces alanine, which is neutral and non-polar, with threonine, which is neutral and polar, at codon 618 of the AMPD1 protein (p.Ala618Thr).

NM_000036.3(AMPD1):c.1753G>A (p.Ala585Thr)

Gene: AMPD1 (adenosine monophosphate deaminase 1; minus strand). Cytogenetic location: 1p13.2.
Variant type: single nucleotide variant.
Coding change: c.1753G>A on transcript NM_000036.3 (MANE Select); coding-DNA position 1753, G replaced by A.
Protein change: p.Ala585Thr; replaces alanine 585 with threonine.
Molecular consequence: missense variant.
Genome position (GRCh38, 1-based): chr1:114,674,799, C>T on the plus strand (G>A on the coding strand, the complement: AMPD1 is on the minus strand). VCF-style: chr1-114674799-C-T. GRCh37 (hg19) VCF-style: chr1-115217420-C-T.
Other names: c.1741G>A, p.Ala581Thr (NM_001172626.2); short protein forms A581T, A585T.
Identifiers: ClinVar variation 1963652 (VCV001963652.4), dbSNP rs775529261, ClinGen allele CA1020024.